The following is an entry in ClinVar:

ClinVar aggregate classification (germline): Uncertain significance (1 of 4 stars; one submission).

Allele frequency attached by ClinVar (database versions not stated): gnomAD exomes below 0.00001.
gnomAD v4.1: 2 of 1,611,028 alleles (0.00012%); highest among the groups gnomAD compares: Non-Finnish European, 0.00017%; no homozygotes.

Submission:

Labcorp Genetics (formerly Invitae), Labcorp
Classification: Uncertain significance. Last evaluated: 2021-11-22. Review status: criteria provided, single submitter. Criteria: Invitae Variant Classification Sherloc (09022015). Collection method: clinical testing. Allele origin: germline.
Comment: This sequence change replaces leucine, which is neutral and non-polar, with valine, which is neutral and non-polar, at codon 28 of the LRRC56 protein (p.Leu28Val). This variant is not present in population databases (gnomAD no frequency). This variant has not been reported in the literature in individuals affected with LRRC56-related conditions. Algorithms developed to predict the effect of missense changes on protein structure and function are either unavailable or do not agree on the potential impact of this missense change (SIFT: "Tolerated"; PolyPhen-2: "Possibly Damaging"; Align-GVGD: "Class C0"). In summary, the available evidence is currently insufficient to determine the role of this variant in disease. Therefore, it has been classified as a Variant of Uncertain Significance.

NM_198075.4(LRRC56):c.82C>G (p.Leu28Val)

Gene: LRRC56 (leucine rich repeat containing 56; plus strand). Cytogenetic location: 11p15.5.
Variant type: single nucleotide variant.
Coding change: c.82C>G on transcript NM_198075.4 (MANE Select); coding-DNA position 82, C replaced by G.
Protein change: p.Leu28Val; replaces leucine 28 with valine.
Molecular consequence: missense variant.
Genome position (GRCh38, 1-based): chr11:540,766, C>G. VCF-style: chr11-540766-C-G. GRCh37 (hg19) VCF-style: chr11-540766-C-G.
Other names: short protein forms L28V.
Identifiers: ClinVar variation 1475116 (VCV001475116.3), dbSNP rs1851756152, ClinGen allele CA378930591.